The following is an entry in ClinVar:

ClinVar aggregate classification (germline): Conflicting classifications of pathogenicity. Review status: criteria provided, conflicting classifications (1 of 4 stars). 9 submissions from 9 submitters: Likely pathogenic (5); Uncertain significance (3). 1 of the submissions does not count toward it. Last evaluated 2025-10-15.

Conditions:
ACTC1-related disorder. Also called: ACTC1-related condition.
Cardiovascular phenotype. Identifiers: MedGen CN230736.
Hypertrophic cardiomyopathy 11. Also called: ACTC1-Related Familial Hypertrophic Cardiomyopathy. Identifiers: MedGen C2677506, MONDO:0012799, OMIM 612098.
Dilated cardiomyopathy 1R (CMD1R). Identifiers: Orphanet 154, Orphanet 54260, MedGen C3150681, MONDO:0013261, OMIM 613424.
Atrial septal defect 5 (ASD5). Identifiers: Orphanet 1478, MedGen C2748552, MONDO:0013011, OMIM 612794.

Allele frequency attached by ClinVar (database versions not stated): gnomAD exomes below 0.00001.
gnomAD v4.1: 1 of 1,614,192 alleles (0.000062%); highest among the groups gnomAD compares: Non-Finnish European, 0.000085%; no homozygotes.

Submissions (9):

Human Genetics Bochum, Ruhr University Bochum
Classification: Likely pathogenic for Dilated cardiomyopathy 1R. Last evaluated: 2025-10-15. Review status: criteria provided, single submitter. Criteria: ACMG Guidelines, 2015. Collection method: clinical testing. Allele origin: germline. Affected: yes.
Comment: ACMG criteria used to clasify this variant: PS4_MOD, PP3_MOD, PM1_SUP, PM2_SUP, PP2

Ambry Genetics
Classification: Likely pathogenic for Cardiovascular phenotype. Last evaluated: 2025-01-10. Review status: criteria provided, single submitter. Criteria: Ambry Variant Classification Scheme 2023. Collection method: clinical testing. Allele origin: germline.
Comment: The p.A222T variant (also known as c.664G>A), located in coding exon 4 of the ACTC1 gene, results from a G to A substitution at nucleotide position 664. The alanine at codon 222 is replaced by threonine, an amino acid with similar properties. This variant was reported in individual(s) with features consistent with ACTC1-related cardiomyopathy; in at least one individual, it was determined to be de novo (Pagnamenta AT et al. Genome Med, 2023 Nov;15:94; Acu&ntilde;a-Ochoa JG et al. Case Rep Genet, 2024 Dec;2024:9517735; external communication). This missense alteration is located in a region that has a low rate of benign missense variation (Lek M et al. Nature. 2016 Aug 18;536(7616):285-91; DECIPHER: Database of Chromosomal Imbalance and Phenotype in Humans using Ensembl Resources. Firth H.V. et al. 2009. Am.J.Hum.Genet. 84, 524-533 (DOI)). This amino acid position is highly conserved in available vertebrate species. In addition, this alteration is predicted to be deleterious by in silico analysis. This variant is considered to be rare based on population cohorts in the Genome Aggregation Database (gnomAD). Based on the majority of available evidence to date, this variant is likely to be pathogenic.

Labcorp Genetics (formerly Invitae), Labcorp
Classification: Uncertain significance for Dilated cardiomyopathy 1R; Hypertrophic cardiomyopathy 11; Atrial septal defect 5. Last evaluated: 2023-07-21. Review status: criteria provided, single submitter. Criteria: Invitae Variant Classification Sherloc (09022015). Collection method: clinical testing. Allele origin: germline.
Comment: This sequence change replaces alanine, which is neutral and non-polar, with threonine, which is neutral and polar, at codon 222 of the ACTC1 protein (p.Ala222Thr). This variant is not present in population databases (gnomAD no frequency). This variant has not been reported in the literature in individuals affected with ACTC1-related conditions. ClinVar contains an entry for this variant (Variation ID: 444338). Advanced modeling of protein sequence and biophysical properties (such as structural, functional, and spatial information, amino acid conservation, physicochemical variation, residue mobility, and thermodynamic stability) performed at Invitae indicates that this missense variant is not expected to disrupt ACTC1 protein function. In summary, the available evidence is currently insufficient to determine the role of this variant in disease. Therefore, it has been classified as a Variant of Uncertain Significance.

Oxford Medical Genetics Laboratories, Oxford University Hospitals NHS Foundation Trust
Classification: Likely pathogenic for Dilated cardiomyopathy 1R. Last evaluated: 2023-03-23. Review status: criteria provided, single submitter. Criteria: ACMG Guidelines, 2015. Collection method: clinical testing. Allele origin: de novo. Affected: yes.

PreventionGenetics, part of Exact Sciences
Classification: Likely pathogenic for ACTC1-related condition. Last evaluated: 2023-02-03. Review status: criteria provided, single submitter. Criteria: ACMG Guidelines, 2015. Collection method: clinical testing. Allele origin: germline.
Comment: The ACTC1 c.664G>A variant is predicted to result in the amino acid substitution p.Ala222Thr. To our knowledge, this variant has not been reported in a large population database, indicating this variant is rare. This variant has been reported to have occurred de novo in an individual with dilated cardiomyopathy; however, this study was not yet peer-reviewed and the data should be interpreted with caution (Table 3.1). This variant is interpreted as likely pathogenic.

GeneDx
Classification: Uncertain significance. Last evaluated: 2022-07-14. Review status: criteria provided, single submitter. Criteria: GeneDx Variant Classification Process June 2021. Collection method: clinical testing. Allele origin: germline. Affected: yes.
Comment: Not observed at significant frequency in large population cohorts (gnomAD); In silico analysis supports that this missense variant has a deleterious effect on protein structure/function; Has not been previously published as pathogenic or benign to our knowledge

CeGaT Center for Human Genetics Tuebingen
Classification: Uncertain significance. Last evaluated: 2017-05-01. Review status: criteria provided, single submitter. Criteria: CeGaT Center For Human Genetics Tuebingen Variant Classification Criteria Version 2. Collection method: clinical testing. Allele origin: germline. Affected: yes. Observed: 1 variant allele.

Juno Genomics, Hangzhou Juno Genomics, Inc
Classification: Likely pathogenic for Atrial septal defect 5; Dilated cardiomyopathy 1R; Hypertrophic cardiomyopathy 11. Review status: criteria provided, single submitter. Criteria: ACMG Guidelines, 2015. Collection method: clinical testing. Allele origin: germline. Affected: yes.
Comment: Absent from controls (or at extremely low frequency if recessive) in Genome Aggregation Database.;Multiple lines of computational evidence support a deleterious effect on the gene or gene product.;Missense variant in a gene that has a low rate of benign missense variation.;The prevalence of the variant in affected individuals is significantly increased compared to the prevalence in controls.;Assumed de novo, but without confirmation of paternity and maternity.

Department of Cardiovascular Research and Genetics, Lankenau Institute for Medical Research, Main Line Health
Classification: Likely pathogenic for Dilated cardiomyopathy 1R. Last evaluated: 2024-12-28. Review status: no assertion criteria provided. Collection method: clinical testing. Allele origin: de novo. Inheritance: Sporadic. Affected: yes. Observed: 1 variant allele, 1 compound heterozygote. Not counted in ClinVar's aggregate classification.
Comment: It is of importance notice that, at the moment of the publication, there were five previous reports of this variant from different submitters in ClinVar database, two of them being classified as likely pathogenic in DCM cases also with a de novo origin. Based on the American College of Medical Genetics and Genomics (ACMG) guidelines and the features we found, our research team also classified the c.664G>A ACTC1 variant as likely pathogenic in the present case (categories met: PM2: absent in cohorts ExAC, 1000 genomes and gnomAD; PM6: heritance assumed de novo; PP3: classified as deleterious/damaging by SIFT, PolyPhen2 and PROVEAN; PP5: multiple non-related reports of the variant as pathogenic which remark its potential pathogenicity).

Literature cited by the submitters: PubMed 37946251 (cited by Ambry Genetics); PubMed 39759977 (cited by Ambry Genetics and Department of Cardiovascular Research and Genetics, Lankenau Institute for Medical Research, Main Line Health).

NM_005159.5(ACTC1):c.664G>A (p.Ala222Thr)

Genes: GJD2-DT (GJD2 divergent transcript; plus strand), ACTC1 (actin alpha cardiac muscle 1; minus strand). Cytogenetic location: 15q14.
Variant type: single nucleotide variant.
Coding change: c.664G>A on transcript NM_005159.5 (MANE Select); coding-DNA position 664, G replaced by A.
Protein change: p.Ala222Thr; replaces alanine 222 with threonine.
Molecular consequence: missense variant.
Genome position (GRCh38, 1-based): chr15:34,792,234, C>T on the plus strand (G>A on the coding strand, the complement: ACTC1 is on the minus strand). VCF-style: chr15-34792234-C-T. GRCh37 (hg19) VCF-style: chr15-35084435-C-T.
Other names: short protein forms A222T.
Identifiers: ClinVar variation 444338 (VCV000444338.71), dbSNP rs1555418793, ClinGen allele CA391630644.
Genomic context (GRCh38, chr15:34,792,234, plus strand): 5'-AGCTCTTCTCCAGGGAGGAGGAAGAGGCAGCTGTGGCCATCTCATTCTCAAAATCCAGGG[C>T]GACATAGCACAGCTTCTCTTTAATGTCACGGACAATTTCACGTTCAGCTACAGAAATAAA-3'
Protein context (NP_005150.1, residues 212-232): RDIKEKLCYV[Ala222Thr]LDFENEMATA